The following is an entry in ClinVar:

NM_001267550.2(TTN):c.24861G>T (p.Val8287=)

Gene: TTN (titin; minus strand). Cytogenetic location: 2q31.2.
Variant type: single nucleotide variant.
Coding change: c.24861G>T on transcript NM_001267550.2 (MANE Select); coding-DNA position 24861, G replaced by T.
Protein change: p.Val8287=; no amino-acid change (valine 8287 retained).
Molecular consequence: synonymous variant. On other transcripts: intron variant (3).
Genome position (GRCh38, 1-based): chr2:178,718,145, C>A on the plus strand (G>T on the coding strand, the complement: TTN is on the minus strand). VCF-style: chr2-178718145-C-A. GRCh37 (hg19) VCF-style: chr2-179582872-C-A.
Other names: c.23910G>T, p.Val7970= (NM_001256850.1); c.21129G>T, p.Val7043= (NM_133378.4); c.13282+19937G>T (NM_003319.4); c.13858+19937G>T (NM_133437.4); c.13657+19937G>T (NM_133432.3).
Identifiers: ClinVar variation 4873017 (VCV004873017.2).

ClinVar aggregate classification (germline): Likely benign (1 of 4 stars; one submission).

Submission:

CeGaT Center for Human Genetics Tuebingen
Classification: Likely benign. Last evaluated: 2026-06-01. Review status: criteria provided, single submitter. Criteria: CeGaT Center For Human Genetics Tuebingen Variant Classification Criteria Version 2. Collection method: clinical testing. Allele origin: germline. Affected: yes. Observed: 1 variant allele.
Comment: TTN: PM2:Supporting, BP4, BP7